The following is an entry in ClinVar:

ClinVar aggregate classification (germline): Uncertain significance (1 of 4 stars; one submission).

Conditions:
Neuronal ceroid lipofuscinosis 1 (CLN1). Also called: PPT1-Related Neuronal Ceroid-Lipofuscinosis; CEROID LIPOFUSCINOSIS, NEURONAL, 1, VARIABLE AGE AT ONSET. Identifiers: Orphanet 228329, MedGen C1850451, MONDO:0009744, OMIM 256730.

Allele frequency attached by ClinVar (database versions not stated): gnomAD exomes below 0.00001.
gnomAD v4.1: 6 of 1,613,982 alleles (0.00037%); highest among the groups gnomAD compares: East Asian, 0.0022%; no homozygotes.

Submission:

Labcorp Genetics (formerly Invitae), Labcorp
Classification: Uncertain significance for Neuronal ceroid lipofuscinosis 1. Last evaluated: 2022-07-15. Review status: criteria provided, single submitter. Criteria: Invitae Variant Classification Sherloc (09022015). Collection method: clinical testing. Allele origin: germline.
Comment: This sequence change replaces isoleucine, which is neutral and non-polar, with threonine, which is neutral and polar, at codon 235 of the PPT1 protein (p.Ile235Thr). This variant is not present in population databases (gnomAD no frequency). This variant has not been reported in the literature in individuals affected with PPT1-related conditions. Algorithms developed to predict the effect of missense changes on protein structure and function (SIFT, PolyPhen-2, Align-GVGD) all suggest that this variant is likely to be tolerated. In summary, the available evidence is currently insufficient to determine the role of this variant in disease. Therefore, it has been classified as a Variant of Uncertain Significance.

NM_000310.4(PPT1):c.704T>C (p.Ile235Thr)

Gene: PPT1 (palmitoyl-protein thioesterase 1; minus strand). Cytogenetic location: 1p34.2.
Variant type: single nucleotide variant.
Coding change: c.704T>C on transcript NM_000310.4 (MANE Select); coding-DNA position 704, T replaced by C.
Protein change: p.Ile235Thr; replaces isoleucine 235 with threonine.
Molecular consequence: missense variant.
Genome position (GRCh38, 1-based): chr1:40,078,582, A>G on the plus strand (T>C on the coding strand, the complement: PPT1 is on the minus strand). VCF-style: chr1-40078582-A-G. GRCh37 (hg19) VCF-style: chr1-40544254-A-G.
Other names: c.395T>C, p.Ile132Thr (NM_001142604.2); c.704T>C, p.Ile235Thr (NM_001363695.2); short protein forms I235T, I132T.
Identifiers: ClinVar variation 2155769 (VCV002155769.1), dbSNP rs2523635549, ClinGen allele CA339846635.